The following is an entry in ClinVar:

ClinVar aggregate classification (germline): Pathogenic (1 of 4 stars; one submission).

Submission:

Labcorp Genetics (formerly Invitae), Labcorp
Classification: Pathogenic. Last evaluated: 2022-02-18. Review status: criteria provided, single submitter. Criteria: Invitae Variant Classification Sherloc (09022015). Collection method: clinical testing. Allele origin: germline.
Comment: This sequence change creates a premature translational stop signal (p.Ala1216Profs*8) in the ARID1B gene. It is expected to result in an absent or disrupted protein product. Loss-of-function variants in ARID1B are known to be pathogenic (PMID: 25674384, 30349098). For these reasons, this variant has been classified as Pathogenic. This variant has not been reported in the literature in individuals affected with ARID1B-related conditions. This variant is not present in population databases (gnomAD no frequency).

Literature cited by the submitters: PubMed 25674384; PubMed 30349098.

NM_001374828.1(ARID1B):c.4014del (p.Ala1339fs)

Gene: ARID1B (AT-rich interaction domain 1B; plus strand). Cytogenetic location: 6q25.3.
Variant type: Deletion.
Coding change: c.4014del on transcript NM_001374828.1 (MANE Select); coding-DNA position 4014, one base deleted (A; older notation c.4014delA).
Protein change: p.Ala1339fs; shifts the reading frame from alanine 1339.
Molecular consequence: frameshift variant.
Genome position (GRCh38, 1-based): chr6:157,189,736, A deleted. VCF-style (leftmost placement, unchanged base first): chr6-157189735-CA-C. GRCh37 (hg19) VCF-style: chr6-157510869-CA-C.
Other names: c.3765delA, p.Ala1256Profs (NM_001346813.1); c.1515del, p.Ala506fs (NM_001363725.2); c.3894del, p.Ala1299fs (NM_001371656.1, NM_001374820.1); c.3855del, p.Ala1286fs (NM_017519.3); c.3645delA, p.Ala1216Profs (NM_020732.3); c.3432delA, p.Ala1145Profs (NM_175863.2); short protein forms A1339fs, A1286fs, A1299fs, A506fs.
Identifiers: ClinVar variation 1906116 (VCV001906116.5), dbSNP rs2538500287, ClinGen allele CA2580075266.
Genomic context (GRCh38, chr6:157,189,735, plus strand): 5'-CCCAGTCAACTGGCAGCAATTCCATGGCAGAGGTTCCAGGTGACCTGAAGCCACCTACCC[CA>C]GCCTCCACCCCTCACGGCCAGATGACTCCAATGCAAGGTGGAAGGTATGTTCAAATAACT-3'